The following is an entry in ClinVar:

NM_016507.4(CDK12):c.929C>T (p.Ser310Leu)

Genes: CDK12 (cyclin dependent kinase 12; plus strand), LOC126862553 (CDK7 strongly-dependent group 2 enhancer GRCh37_chr17:37618166-37619365; plus strand). Cytogenetic location: 17q12.
Variant type: single nucleotide variant.
Coding change: c.929C>T on transcript NM_016507.4 (MANE Select); coding-DNA position 929, C replaced by T.
Protein change: p.Ser310Leu; replaces serine 310 with leucine.
Molecular consequence: missense variant.
Genome position (GRCh38, 1-based): chr17:39,463,000, C>T. VCF-style: chr17-39463000-C-T. GRCh37 (hg19) VCF-style: chr17-37619253-C-T.
Other names: c.929C>T, p.Ser310Leu (NM_015083.4); short protein forms S310L.
Identifiers: ClinVar variation 3489286 (VCV003489286.1).
Genomic context (GRCh38, chr17:39,463,000, plus strand): 5'-GGTCACCGAGCCCCTACAGTAGGCGACAGAGATCTGTCAGTCCCTATAGCAGGAGACGGT[C>T]GTCCAGCTACGAAAGAAGTGGCTCTTACAGCGGGCGATCGCCCAGTCCCTATGGTCGAAG-3'
Protein context (NP_057591.2, residues 300-320): RSVSPYSRRR[Ser310Leu]SSYERSGSYS

ClinVar aggregate classification (germline): Uncertain significance (1 of 4 stars; one submission).

gnomAD v4.1: 4 of 1,614,018 alleles (0.00025%); highest among the groups gnomAD compares: African/African-American, 0.0013%; no homozygotes.

Submission:

Ambry Genetics
Classification: Uncertain significance. Last evaluated: 2024-11-25. Review status: criteria provided, single submitter. Criteria: Ambry Variant Classification Scheme 2023. Collection method: clinical testing. Allele origin: germline.
Comment: The p.S310L variant (also known as c.929C>T), located in coding exon 1 of the CDK12 gene, results from a C to T substitution at nucleotide position 929. The serine at codon 310 is replaced by leucine, an amino acid with dissimilar properties. This amino acid position is conserved. In addition, the in silico prediction for this alteration is inconclusive. Based on the available evidence, the clinical significance of this variant remains unclear.